The following is an entry in ClinVar:

NM_002609.4(PDGFRB):c.1033C>T (p.Pro345Ser)

Gene: PDGFRB (platelet derived growth factor receptor beta; minus strand). Cytogenetic location: 5q32.
Variant type: single nucleotide variant.
Coding change: c.1033C>T on transcript NM_002609.4 (MANE Select); coding-DNA position 1033, C replaced by T.
Protein change: p.Pro345Ser; replaces proline 345 with serine.
Molecular consequence: missense variant.
Genome position (GRCh38, 1-based): chr5:150,132,844, G>A on the plus strand (C>T on the coding strand, the complement: PDGFRB is on the minus strand). VCF-style: chr5-150132844-G-A. GRCh37 (hg19) VCF-style: chr5-149512407-G-A.
Other names: p.Pro345Ser; c.841C>T, p.Pro281Ser (NM_001355016.2); c.550C>T, p.Pro184Ser (NM_001355017.2); short protein forms P345S, P184S, P281S.
Identifiers: ClinVar variation 377063 (VCV000377063.47), dbSNP rs2229558, ClinGen allele CA3508126.

ClinVar aggregate classification (germline): Benign/Likely benign. Review status: criteria provided, multiple submitters, no conflicts (2 of 4 stars). 11 submissions from 10 submitters: Benign (7); Likely benign (2). 2 of the submissions do not count toward it. Last evaluated 2026-09-01.

Conditions:
Basal ganglia calcification, idiopathic, 4 (PFBC4). Also called: PRIMARY FAMILIAL BRAIN CALCIFICATION 4, AUTOSOMAL DOMINANT; Familial Idiopathic Basal Ganglia Calcification 4. Identifiers: Orphanet 1980, MedGen C3554321, MONDO:0014004, OMIM 615007.
Infantile myofibromatosis (IMF). Also called: Congenital generalized fibromatosis. Identifiers: Orphanet 2591, MedGen C0432284, MONDO:0016824.
Skeletal overgrowth-craniofacial dysmorphism-hyperelastic skin-white matter lesions syndrome. Also called: SKELETAL OVERGROWTH WITH FACIAL DYSMORPHISM, HYPERELASTIC SKIN, WHITE MATTER LESIONS, AND NEUROLOGIC DETERIORATION; Kosaki overgrowth syndrome. Identifiers: Orphanet 477831, MedGen C4225270, MONDO:0014704, OMIM 616592.
Acroosteolysis-keloid-like lesions-premature aging syndrome. Also called: Premature aging syndrome, Penttinen type; Prematurely aged appearance, delayed bone maturation, acro-osteolysis, and brachydactyly; Progeroid syndrome, Penttinen type. Identifiers: Orphanet 363665, MedGen C1866182, MONDO:0011150, OMIM 601812.
Myofibromatosis, infantile, 1. Also called: Myofibromatosis, juvenile. Identifiers: Orphanet 2591, MedGen C4551572, MONDO:0009227, OMIM 228550.
Myeloproliferative disorder, chronic, with eosinophilia. Also called: Malignant eosinophil proliferation; EOSINOPHILS, MALIGNANT PROLIFERATION OF. Identifiers: MedGen C1851585, MONDO:0007546, OMIM 131440, HP:0006782.

Allele frequency attached by ClinVar (database versions not stated): 1000 Genomes Project 30x 0.00203; gnomAD 0.00811 and 0.00834; TOPMed 0.00802; ExAC 0.00995; 1000 Genomes Project 0.00220; gnomAD exomes 0.00736; ESP Exome Variant Server 0.00838.
gnomAD v4.1: 18,727 of 1,610,196 alleles (1.2%); highest among the groups gnomAD compares: Non-Finnish European, 1.4%; 156 homozygotes.

Submissions (11):

CeGaT Center for Human Genetics Tuebingen
Classification: Benign. Last evaluated: 2026-09-01. Review status: criteria provided, single submitter. Criteria: CeGaT Center For Human Genetics Tuebingen Variant Classification Criteria Version 2. Collection method: clinical testing. Allele origin: germline. Affected: yes. Observed: 21 variant alleles.
Comment: PDGFRB: BP4, BS1, BS2

Labcorp Genetics (formerly Invitae), Labcorp
Classification: Benign for Basal ganglia calcification, idiopathic, 4; Skeletal overgrowth-craniofacial dysmorphism-hyperelastic skin-white matter lesions syndrome; Infantile myofibromatosis; Acroosteolysis-keloid-like lesions-premature aging syndrome. Last evaluated: 2026-01-25. Review status: criteria provided, single submitter. Criteria: Invitae Variant Classification Sherloc (09022015). Collection method: clinical testing. Allele origin: germline.

KCCC/NGS Laboratory, Kuwait Cancer Control Center
Classification: Benign for Myofibromatosis, infantile, 1. Last evaluated: 2025-02-01. Review status: criteria provided, single submitter. Criteria: ACMG Guidelines, 2015. Collection method: clinical testing. Allele origin: germline. Affected: no.

Mayo Clinic Laboratories, Mayo Clinic
Classification: Benign. Last evaluated: 2023-07-13. Review status: criteria provided, single submitter. Criteria: ACMG Guidelines, 2015. Collection method: clinical testing. Allele origin: germline. Observed: 11 variant alleles.
Comment: BS1, BS2, BP4

KCCC/NGS Laboratory, Kuwait Cancer Control Center
Classification: Benign for Myeloproliferative disorder, chronic, with eosinophilia. Last evaluated: 2023-07-07. Review status: criteria provided, single submitter. Criteria: ACMG Guidelines, 2015. Collection method: clinical testing. Allele origin: germline. Affected: yes.

Centre for Mendelian Genomics, University Medical Centre Ljubljana
Classification: Benign for Basal ganglia calcification, idiopathic, 4. Last evaluated: 2019-04-08. Review status: criteria provided, single submitter. Criteria: ACMG Guidelines, 2015. Collection method: clinical testing. Allele origin: unknown. Affected: yes.
Comment: This variant was classified as: Benign. The following ACMG criteria were applied in classifying this variant: BS1,BS2.

GeneDx
Classification: Benign. Last evaluated: 2019-04-02. Review status: criteria provided, single submitter. Criteria: GeneDx Variant Classification Process June 2021. Collection method: clinical testing. Allele origin: germline. Affected: yes.

Center for Pediatric Genomic Medicine, Children's Mercy Hospital and Clinics
Classification: Likely benign. Last evaluated: 2016-10-27. Review status: criteria provided, single submitter. Criteria: ACMG Guidelines, 2015. Collection method: clinical testing. Allele origin: germline.
ClinVar note: Converted during submission from Likely Benign to Likely benign.

Breakthrough Genomics
Classification: Likely benign. Review status: criteria provided, single submitter. Criteria: ACMG Guidelines, 2015. Collection method: not provided. Allele origin: germline. Inheritance: Autosomal dominant inheritance. Affected: yes.

Genome Diagnostics Laboratory, Amsterdam University Medical Center
Classification: Benign. Review status: no assertion criteria provided. Collection method: clinical testing. Allele origin: germline. Affected: yes. Study: VKGL Data-share Consensus. Not counted in ClinVar's aggregate classification.

Laboratory of Diagnostic Genome Analysis, Leiden University Medical Center (LUMC)
Classification: Likely benign. Review status: no assertion criteria provided. Collection method: clinical testing. Allele origin: germline. Affected: yes. Study: VKGL Data-share Consensus. Not counted in ClinVar's aggregate classification.